The following is an entry in ClinVar:

ClinVar aggregate classification (germline): Likely pathogenic (1 of 4 stars; one submission).

Conditions:
Hereditary cancer-predisposing syndrome. Also called: Neoplastic Syndromes, Hereditary; Tumor predisposition; Hereditary Cancer Syndrome; Hereditary neoplastic syndrome. Identifiers: Orphanet 140162, MedGen C0027672, MeSH D009386, MONDO:0015356.

Submission:

Ambry Genetics
Classification: Likely pathogenic for Hereditary cancer-predisposing syndrome. Last evaluated: 2020-06-25. Review status: criteria provided, single submitter. Criteria: Ambry Variant Classification Scheme 2023. Collection method: clinical testing. Allele origin: germline.
Comment: The c.1879delC variant, located in coding exon 14 of the SDHA gene, results from a deletion of one nucleotide at nucleotide position 1879, causing a translational frameshift with a predicted alternate stop codon (p.L627Cfs*18). Frameshifts are typically deleterious in nature, however, this frameshift occurs at the 3' terminus of SDHA, and is not expected to trigger nonsense-mediated mRNA decay. This alteration impacts the last 38 amino acids of the protein which are part of the succinate dehydrogenase flavoprotein-like C-terminal functional domain. The exact functional impact of these altered amino acids is unknown at this time. Based on the majority of available evidence to date, this variant is likely to be pathogenic.

NM_004168.4(SDHA):c.1879del (p.Leu627fs)

Gene: SDHA (succinate dehydrogenase complex flavoprotein subunit A; plus strand). Cytogenetic location: 5p15.33.
Variant type: Deletion.
Coding change: c.1879del on transcript NM_004168.4 (MANE Select); coding-DNA position 1879, one base deleted (C; older notation c.1879delC).
Protein change: p.Leu627fs; shifts the reading frame from leucine 627.
Molecular consequence: frameshift variant.
Genome position (GRCh38, 1-based): chr5:254,477, C deleted; the last of 3 consecutive C bases (chr5:254,475-254,477); deleting any one gives the same sequence. VCF-style (leftmost placement, unchanged base first): chr5-254474-AC-A. GRCh37 (hg19) VCF-style: chr5-254589-AC-A.
Other names: c.1735del, p.Leu579fs (NM_001294332.2); c.1636del, p.Leu546fs (NM_001330758.2); short protein forms L546fs, L579fs, L627fs.
Identifiers: ClinVar variation 1781840 (VCV001781840.2), dbSNP rs2477476930, ClinGen allele CA2580073135.